The following is an entry in ClinVar:

NM_024301.5(FKRP):c.655G>A (p.Gly219Ser)

Gene: FKRP (fukutin related protein; plus strand). Cytogenetic location: 19q13.32.
Variant type: single nucleotide variant.
Coding change: c.655G>A on transcript NM_024301.5 (MANE Select); coding-DNA position 655, G replaced by A.
Protein change: p.Gly219Ser; replaces glycine 219 with serine.
Molecular consequence: missense variant.
Genome position (GRCh38, 1-based): chr19:46,756,105, G>A. VCF-style: chr19-46756105-G-A. GRCh37 (hg19) VCF-style: chr19-47259362-G-A.
Other names: c.655G>A, p.Gly219Ser (NM_001039885.3); short protein forms G219S.
Identifiers: ClinVar variation 241459 (VCV000241459.8), dbSNP rs878855080, ClinGen allele CA10583809.

ClinVar aggregate classification (germline): Uncertain significance. Review status: criteria provided, multiple submitters, no conflicts (2 of 4 stars). 3 submissions from 3 submitters: Uncertain significance (2). 1 of the submissions does not count toward it. Last evaluated 2025-04-02.

Conditions:
Cardiovascular phenotype. Identifiers: MedGen CN230736.
Walker-Warburg congenital muscular dystrophy. Also called: Muscular dystrophy-dystroglycanopathy, type A; Walker-Warburg syndrome. Identifiers: Orphanet 899, MedGen C0265221, MONDO:0000171.
Autosomal recessive limb-girdle muscular dystrophy type 2I. Also called: MUSCULAR DYSTROPHY-DYSTROGLYCANOPATHY, LIMB-GIRDLE, FRKP-RELATED; MUSCULAR DYSTROPHY, LIMB-GIRDLE, TYPE 2I; MUSCULAR DYSTROPHY-DYSTROGLYCANOPATHY (LIMB-GIRDLE), TYPE C, 5. Identifiers: Orphanet 34515, MedGen C1846672, MONDO:0011787, OMIM 607155.

Allele frequency attached by ClinVar (database versions not stated): gnomAD exomes below 0.00001.
gnomAD v4.1: 1 of 1,528,718 alleles (0.000065%); highest among the groups gnomAD compares: East Asian, 0.0025%; no homozygotes.

Submissions (3):

Ambry Genetics
Classification: Uncertain significance for Cardiovascular phenotype. Last evaluated: 2025-04-02. Review status: criteria provided, single submitter. Criteria: Ambry Variant Classification Scheme 2023. Collection method: clinical testing. Allele origin: germline.
Comment: The p.G219S variant (also known as c.655G>A), located in coding exon 1 of the FKRP gene, results from a G to A substitution at nucleotide position 655. The glycine at codon 219 is replaced by serine, an amino acid with similar properties. This amino acid position is conserved. In addition, this alteration is predicted to be tolerated by in silico analysis. Since supporting evidence is limited at this time, the clinical significance of this alteration remains unclear.

Labcorp Genetics (formerly Invitae), Labcorp
Classification: Uncertain significance for Walker-Warburg congenital muscular dystrophy. Last evaluated: 2021-09-01. Review status: criteria provided, single submitter. Criteria: Invitae Variant Classification Sherloc (09022015). Collection method: clinical testing. Allele origin: germline.

Counsyl
Classification: Uncertain significance for Autosomal recessive limb-girdle muscular dystrophy type 2I. Last evaluated: 2017-10-27. Review status: no assertion criteria provided. Collection method: clinical testing. Allele origin: unknown. Not counted in ClinVar's aggregate classification.